The following is an entry in ClinVar:

ClinVar aggregate classification (germline): Uncertain significance (1 of 4 stars; one submission).

Conditions:
Cardiovascular phenotype. Identifiers: MedGen CN230736.

Submission:

Ambry Genetics
Classification: Uncertain significance for Cardiovascular phenotype. Last evaluated: 2025-09-12. Review status: criteria provided, single submitter. Criteria: Ambry Variant Classification Scheme 2023. Collection method: clinical testing. Allele origin: germline.
Comment: The p.Y752C variant (also known as c.2255A>G), located in coding exon 9 of the RBM20 gene, results from an A to G substitution at nucleotide position 2255. The tyrosine at codon 752 is replaced by cysteine, an amino acid with highly dissimilar properties. This amino acid position is conserved. In addition, this alteration is predicted to be deleterious by in silico analysis. Since supporting evidence is limited at this time, the clinical significance of this alteration remains unclear.

NM_001134363.3(RBM20):c.2255A>G (p.Tyr752Cys)

Gene: RBM20 (RNA binding motif protein 20; plus strand). Cytogenetic location: 10q25.2.
Variant type: single nucleotide variant.
Coding change: c.2255A>G on transcript NM_001134363.3 (MANE Select); coding-DNA position 2255, A replaced by G.
Protein change: p.Tyr752Cys; replaces tyrosine 752 with cysteine.
Molecular consequence: missense variant.
Genome position (GRCh38, 1-based): chr10:110,812,652, A>G. VCF-style: chr10-110812652-A-G. GRCh37 (hg19) VCF-style: chr10-112572410-A-G.
Other names: short protein forms Y752C.
Identifiers: ClinVar variation 1788506 (VCV001788506.3), dbSNP rs2493474920, ClinGen allele CA378373041.